The following is an entry in ClinVar:

NM_003001.5(SDHC):c.20G>A (p.Arg7Lys)

Gene: SDHC (succinate dehydrogenase complex subunit C; plus strand). Cytogenetic location: 1q23.3.
Variant type: single nucleotide variant.
Coding change: c.20G>A on transcript NM_003001.5 (MANE Select); coding-DNA position 20, G replaced by A.
Protein change: p.Arg7Lys; replaces arginine 7 with lysine.
Molecular consequence: missense variant.
Genome position (GRCh38, 1-based): chr1:161,314,425, G>A. VCF-style: chr1-161314425-G-A. GRCh37 (hg19) VCF-style: chr1-161284215-G-A.
Other names: c.20G>A, p.Arg7Lys (NM_001035511.3, NM_001035512.3, NM_001278172.3 and 2 more transcripts); c.20G>A, p.Ser7Asn (NM_001035513.3, NM_001407116.1, NM_001407117.1 and 1 more transcripts); c.-541G>A (NM_001407119.1); c.-210G>A (NM_001407120.1); short protein forms S7N, R7K.
Identifiers: ClinVar variation 1351620 (VCV001351620.8), dbSNP rs2102271857, ClinGen allele CA343355022.

ClinVar aggregate classification (germline): Likely pathogenic. Review status: criteria provided, multiple submitters, no conflicts (2 of 4 stars). 2 submissions from 2 submitters: Likely pathogenic (2). Last evaluated 2025-02-01.

Conditions:
Gastrointestinal stromal tumor. Also called: Gastrointestinal stroma tumor; Gastrointestinal stromal tumor, somatic. Identifiers: Orphanet 44890, MedGen C0238198, MeSH D046152, MONDO:0011719, OMIM 606764, HP:0100723.
Pheochromocytoma/paraganglioma syndrome 3. Also called: SDHC-Related Hereditary Paraganglioma-Pheochromocytoma Syndrome (Paragangliomas 3); SDHC-Related Hereditary Paraganglioma-Pheochromocytoma Syndrome; Paragangliomas 3; GLOMUS TUMORS, FAMILIAL, 3. Identifiers: Orphanet 29072, MedGen C1854336, MONDO:0011544, OMIM 605373.
Hereditary cancer-predisposing syndrome. Also called: Tumor predisposition; Hereditary Cancer Syndrome; Neoplastic Syndromes, Hereditary; Hereditary neoplastic syndrome. Identifiers: Orphanet 140162, MedGen C0027672, MeSH D009386, MONDO:0015356.

Submissions (2):

Labcorp Genetics (formerly Invitae), Labcorp
Classification: Likely pathogenic for Pheochromocytoma/paraganglioma syndrome 3; Gastrointestinal stromal tumor. Last evaluated: 2025-02-01. Review status: criteria provided, single submitter. Criteria: Invitae Variant Classification Sherloc (09022015). Collection method: clinical testing. Allele origin: germline.
Comment: This sequence change affects codon 7 of the SDHC mRNA. It is a 'silent' change, meaning that it does not change the encoded amino acid sequence of the SDHC protein. RNA analysis indicates that this variant induces altered splicing and may result in an absent or altered protein product. This variant is not present in population databases (gnomAD no frequency). This variant has been observed in individuals with paraganglioma (external communication, internal data). ClinVar contains an entry for this variant (Variation ID: 1351620). An algorithm developed to predict the effect of missense changes on protein structure and function (PolyPhen-2) suggests that this variant is likely to be tolerated. Variants that disrupt the consensus splice site are a relatively common cause of aberrant splicing (PMID: 17576681, 9536098). Studies have shown that this variant results in activation of a cryptic splice site, and produces a non-functional protein and/or introduces a premature termination codon (internal data). In summary, the currently available evidence indicates that the variant is pathogenic, but additional data are needed to prove that conclusively. Therefore, this variant has been classified as Likely Pathogenic.

Ambry Genetics
Classification: Likely pathogenic for Hereditary cancer-predisposing syndrome. Last evaluated: 2024-05-10. Review status: criteria provided, single submitter. Criteria: Ambry Variant Classification Scheme 2023. Collection method: clinical testing. Allele origin: germline.
Comment: The c.20G>A variant (also known as p.R7K), located in coding exon 1 of the SDHC gene, results from a G to A substitution at nucleotide position 20. The amino acid change results in arginine to lysine at codon 7, an amino acid with highly similar properties. However, this change occurs in the last base pair of coding exon 1, which makes it likely to have some effect on normal mRNA splicing. This nucleotide position is highly conserved in available vertebrate species. This amino acid position is highly conserved in available vertebrate species. In silico splice site analysis predicts that this alteration will weaken the native splice donor site; however, direct evidence is insufficient at this time (Ambry internal data). In addition, as a missense, this alteration is also predicted to be deleterious by in silico analysis. This variant is considered to be rare based on population cohorts in the Genome Aggregation Database (gnomAD). Based on the majority of available evidence to date, this variant is likely to be pathogenic.

Literature cited by the submitters: PubMed 17576681 (cited by Labcorp Genetics (formerly Invitae), Labcorp); PubMed 9536098 (cited by Labcorp Genetics (formerly Invitae), Labcorp).